The following is an entry in ClinVar:

ClinVar aggregate classification (germline): Conflicting classifications of pathogenicity. Review status: criteria provided, conflicting classifications (1 of 4 stars). 3 submissions from 3 submitters: Pathogenic (1); Uncertain significance (2). Last evaluated 2023-06-02.

Conditions:
Propionic acidemia (PROP). Also called: GLYCINEMIA, KETOTIC; HYPERGLYCINEMIA WITH KETOACIDOSIS AND LEUKOPENIA; KETOTIC HYPERGLYCINEMIA. Identifiers: Orphanet 35, MedGen C0268579, MONDO:0011628, OMIM 606054, HP:0003571.

Allele frequency attached by ClinVar (database versions not stated): gnomAD exomes below 0.00001; ExAC 0.00001; gnomAD 0.00001; TOPMed 0.00001.
gnomAD v4.1: 8 of 1,613,876 alleles (0.0005%); highest among the groups gnomAD compares: Admixed American, 0.0017%; no homozygotes.

Submissions (3):

Revvity Omics, Revvity
Classification: Uncertain significance for Propionic acidemia. Last evaluated: 2023-06-02. Review status: criteria provided, single submitter. Criteria: ACMG Guidelines, 2015. Collection method: clinical testing. Allele origin: germline.

Labcorp Genetics (formerly Invitae), Labcorp
Classification: Uncertain significance for Propionic acidemia. Last evaluated: 2022-09-27. Review status: criteria provided, single submitter. Criteria: Invitae Variant Classification Sherloc (09022015). Collection method: clinical testing. Allele origin: germline.
Comment: This sequence change replaces cysteine, which is neutral and slightly polar, with arginine, which is basic and polar, at codon 688 of the PCCA protein (p.Cys688Arg). This variant is present in population databases (rs774949844, gnomAD 0.0009%). This missense change has been observed in individual(s) with propionic acidemia (PMID: 27227689). ClinVar contains an entry for this variant (Variation ID: 218253). Advanced modeling of protein sequence and biophysical properties (such as structural, functional, and spatial information, amino acid conservation, physicochemical variation, residue mobility, and thermodynamic stability) has been performed at Invitae for this missense variant, however the output from this modeling did not meet the statistical confidence thresholds required to predict the impact of this variant on PCCA protein function. In summary, the available evidence is currently insufficient to determine the role of this variant in disease. Therefore, it has been classified as a Variant of Uncertain Significance.

Institute of Medical Genetics and Genomics, Sir Ganga Ram Hospital
Classification: Pathogenic for Propionic Acidemia. Last evaluated: 2014-01-01. Review status: criteria provided, single submitter. Criteria: Gupta et al. (Genet Test Mol Biomarkers 2016). Collection method: research. Allele origin: germline. Affected: yes. Observed: 1 variant allele. Study: ORGANIC ACIDURIAS.
Comment: Missense mutation

Literature cited by the submitters: PubMed 27227689 (cited by Labcorp Genetics (formerly Invitae), Labcorp).

NM_000282.4(PCCA):c.2062T>C (p.Cys688Arg)

Gene: PCCA (propionyl-CoA carboxylase subunit alpha; plus strand). Cytogenetic location: 13q32.3.
Variant type: single nucleotide variant.
Coding change: c.2062T>C on transcript NM_000282.4 (MANE Select); coding-DNA position 2062, T replaced by C.
Protein change: p.Cys688Arg; replaces cysteine 688 with arginine.
Molecular consequence: missense variant. On other transcripts: non-coding transcript variant (5).
Genome position (GRCh38, 1-based): chr13:100,527,696, T>C. VCF-style: chr13-100527696-T-C. GRCh37 (hg19) VCF-style: chr13-101179950-T-C.
Other names: c.1984T>C, p.Cys662Arg (NM_001127692.3); c.1921T>C, p.Cys641Arg (NM_001178004.2); c.2008T>C, p.Cys670Arg (NM_001352605.2); c.1918T>C, p.Cys640Arg (NM_001352606.2); c.1843T>C, p.Cys615Arg (NM_001352607.2); c.1840T>C, p.Cys614Arg (NM_001352608.2); c.1117T>C, p.Cys373Arg (NM_001352610.2); c.1063T>C, p.Cys355Arg (NM_001352611.2); and 1 more; short protein forms C688R, C373R, C640R, C670R, C325R, C614R, C355R, C641R.
Identifiers: ClinVar variation 218253 (VCV000218253.6), dbSNP rs774949844, ClinGen allele CA7033896.